The following is an entry in ClinVar:

ClinVar aggregate classification (germline): Uncertain significance (1 of 4 stars; one submission).

Allele frequency attached by ClinVar (database versions not stated): gnomAD 0.00001; TOPMed 0.00001.
gnomAD v4.1: 1 of 1,586,186 alleles (0.000063%); highest among the groups gnomAD compares: Non-Finnish European, 0.000086%; no homozygotes.

Submission:

Labcorp Genetics (formerly Invitae), Labcorp
Classification: Uncertain significance. Last evaluated: 2022-08-16. Review status: criteria provided, single submitter. Criteria: Invitae Variant Classification Sherloc (09022015). Collection method: clinical testing. Allele origin: germline.
Comment: Algorithms developed to predict the effect of missense changes on protein structure and function are either unavailable or do not agree on the potential impact of this missense change (SIFT: "Tolerated"; PolyPhen-2: "Probably Damaging"; Align-GVGD: "Class C0"). This variant has not been reported in the literature in individuals affected with PNPLA8-related conditions. This variant is present in population databases (no rsID available, gnomAD 0.0009%). This sequence change replaces leucine, which is neutral and non-polar, with isoleucine, which is neutral and non-polar, at codon 445 of the PNPLA8 protein (p.Leu445Ile). In summary, the available evidence is currently insufficient to determine the role of this variant in disease. Therefore, it has been classified as a Variant of Uncertain Significance.

NM_001256007.3(PNPLA8):c.1333C>A (p.Leu445Ile)

Gene: PNPLA8 (patatin like domain 8, phospholipase A2; minus strand). Cytogenetic location: 7q31.1.
Variant type: single nucleotide variant.
Coding change: c.1333C>A on transcript NM_001256007.3 (MANE Select); coding-DNA position 1333, C replaced by A.
Protein change: p.Leu445Ile; replaces leucine 445 with isoleucine.
Molecular consequence: missense variant.
Genome position (GRCh38, 1-based): chr7:108,502,516, G>T on the plus strand (C>A on the coding strand, the complement: PNPLA8 is on the minus strand). VCF-style: chr7-108502516-G-T. GRCh37 (hg19) VCF-style: chr7-108142960-G-T.
Other names: c.1333C>A, p.Leu445Ile (NM_001256008.3, NM_001256009.3, NM_015723.5); c.1033C>A, p.Leu345Ile (NM_001256010.3, NM_001256011.3); short protein forms L345I, L445I.
Identifiers: ClinVar variation 2054317 (VCV002054317.4), dbSNP rs902098120, ClinGen allele CA164316124.
Genomic context (GRCh38, chr7:108,502,516, plus strand): 5'-AAAAAAAAAAAAAAGAATCATGTTCCTAGCCTTACCTTGTTCCTCCACCATCAATTGAGA[G>T]AATTCGGATTCCTCTCCCTTTCACTGGATCCACATAGCCAATTAGGGCCAAAATTTCTCT-3'
Protein context (NP_001242936.1, residues 435-455): DPVKGRGIRI[Leu445Ile]SIDGGGTRGV